The following is an entry in ClinVar:

NM_152703.5(SAMD9L):c.347C>T (p.Ser116Leu)

Gene: SAMD9L (sterile alpha motif domain containing 9 like; minus strand). Cytogenetic location: 7q21.2.
Variant type: single nucleotide variant.
Coding change: c.347C>T on transcript NM_152703.5 (MANE Select); coding-DNA position 347, C replaced by T.
Protein change: p.Ser116Leu; replaces serine 116 with leucine.
Molecular consequence: missense variant.
Genome position (GRCh38, 1-based): chr7:93,135,625, G>A on the plus strand (C>T on the coding strand, the complement: SAMD9L is on the minus strand). VCF-style: chr7-93135625-G-A. GRCh37 (hg19) VCF-style: chr7-92764938-G-A.
Other names: c.347C>T, p.Ser116Leu (NM_001303496.3, NM_001303497.3, NM_001303498.3 and 5 more transcripts); c.347C>T (NM_152703.3); short protein forms S116L.
Identifiers: ClinVar variation 4159439 (VCV004159439.2).

ClinVar aggregate classification (germline): Uncertain significance. Review status: criteria provided, multiple submitters, no conflicts (2 of 4 stars). 2 submissions from 2 submitters: Uncertain significance (2). Last evaluated 2025-08-25.

Conditions:
Inborn genetic diseases. Identifiers: MedGen C0950123, MeSH D030342.

Submissions (2):

Ambry Genetics
Classification: Uncertain significance for Inborn genetic diseases. Last evaluated: 2025-08-25. Review status: criteria provided, single submitter. Criteria: Ambry Variant Classification Scheme 2023. Collection method: clinical testing. Allele origin: germline.
Comment: The p.S116L variant (also known as c.347C>T), located in coding exon 1 of the SAMD9L gene, results from a C to T substitution at nucleotide position 347. The serine at codon 116 is replaced by leucine, an amino acid with dissimilar properties. This amino acid position is conserved. In addition, this alteration is predicted to be tolerated by in silico analysis. Based on the available evidence, the clinical significance of this variant remains unclear.

GeneDx
Classification: Uncertain significance. Last evaluated: 2025-06-13. Review status: criteria provided, single submitter. Criteria: GeneDx Variant Classification Process June 2021. Collection method: clinical testing. Allele origin: germline. Affected: yes.
Comment: Not observed at significant frequency in large population cohorts (gnomAD); In silico analysis suggests that this missense variant does not alter protein structure/function; Has not been previously published as pathogenic or benign to our knowledge